The following is an entry in ClinVar:

ClinVar aggregate classification (germline): Likely benign. Review status: criteria provided, multiple submitters, no conflicts (2 of 4 stars). 3 submissions from 3 submitters: Likely benign (3). Last evaluated 2025-10-11.

Allele frequency attached by ClinVar (database versions not stated): TOPMed 0.00002; gnomAD exomes 0.00010; gnomAD 0.00011; ExAC 0.00017.
gnomAD v4.1: 170 of 1,613,988 alleles (0.011%); highest among the groups gnomAD compares: South Asian, 0.12%; 3 homozygotes.

Submissions (3):

Labcorp Genetics (formerly Invitae), Labcorp
Classification: Likely benign. Last evaluated: 2025-10-11. Review status: criteria provided, single submitter. Criteria: Invitae Variant Classification Sherloc (09022015). Collection method: clinical testing. Allele origin: germline.

Blueprint Genetics
Classification: Likely benign. Last evaluated: 2024-07-24. Review status: criteria provided, single submitter. Criteria: ACMG Guidelines, 2015. Collection method: clinical testing. Allele origin: germline.

CeGaT Center for Human Genetics Tuebingen
Classification: Likely benign. Last evaluated: 2023-11-01. Review status: criteria provided, single submitter. Criteria: CeGaT Center For Human Genetics Tuebingen Variant Classification Criteria Version 2. Collection method: clinical testing. Allele origin: germline. Affected: yes. Observed: 1 variant allele.
Comment: MYO18B: BP4, BP7

NM_032608.7(MYO18B):c.2622C>T (p.His874=)

Gene: MYO18B (myosin XVIIIB; plus strand). Cytogenetic location: 22q12.1.
Variant type: single nucleotide variant.
Coding change: c.2622C>T on transcript NM_032608.7 (MANE Select); coding-DNA position 2622, C replaced by T.
Protein change: p.His874=; no amino-acid change (histidine 874 retained).
Molecular consequence: synonymous variant.
Genome position (GRCh38, 1-based): chr22:25,823,605, C>T. VCF-style: chr22-25823605-C-T. GRCh37 (hg19) VCF-style: chr22-26219572-C-T.
Other names: c.2622C>T, p.His874= (NM_001318245.2).
Identifiers: ClinVar variation 2160599 (VCV002160599.29), dbSNP rs200220352, ClinGen allele CA10160243.
Genomic context (GRCh38, chr22:25,823,605, plus strand): 5'-CGCAGCTGAGGCCCTGGGCTGCGAGTATGAGGAGCTGAACACGGCCACCTTCAAGCACCA[C>T]CTTCGACAGATCATCCAGCAAATGACGTTTGGGCCAAGCCGATGGGGCCTCGAGGATGAG-3'
Protein context (NP_115997.5, residues 864-884): EELNTATFKH[His874=]LRQIIQQMTF